The following is an entry in ClinVar:

NM_000541.5(SAG):c.1023-13_1023-10del

Gene: SAG (S-antigen visual arrestin; plus strand). Cytogenetic location: 2q37.1.
Variant type: Microsatellite.
Coding change: c.1023-13_1023-10del on transcript NM_000541.5 (MANE Select); 13 bases into the intron before coding-DNA position 1023 through 10 bases into the intron before coding-DNA position 1023, 4 bases deleted (TTGT; older notation c.1023-13_1023-10delTTGT).
Molecular consequence: intron variant.
Genome position (GRCh38, 1-based): chr2:233,340,442-233,340,445, TTGT deleted; deleting any 4 consecutive bases within chr2:233,340,436-233,340,445 gives the same sequence; the c. name uses the placement nearest the transcript's 3' end. VCF-style (leftmost placement, unchanged base first): chr2-233340435-CGTTT-C. GRCh37 (hg19) VCF-style: chr2-234249081-CGTTT-C.
Identifiers: ClinVar variation 1374442 (VCV001374442.6), dbSNP rs779595449, ClinGen allele CA2174640.

ClinVar aggregate classification (germline): Uncertain significance (1 of 4 stars; one submission).

Submission:

Labcorp Genetics (formerly Invitae), Labcorp
Classification: Uncertain significance. Last evaluated: 2023-07-03. Review status: criteria provided, single submitter. Criteria: Invitae Variant Classification Sherloc (09022015). Collection method: clinical testing. Allele origin: germline.
Comment: In summary, the available evidence is currently insufficient to determine the role of this variant in disease. Therefore, it has been classified as a Variant of Uncertain Significance. Algorithms developed to predict the effect of sequence changes on RNA splicing suggest that this variant may disrupt the consensus splice site. This variant has not been reported in the literature in individuals affected with SAG-related conditions. This variant is not present in population databases (gnomAD no frequency). This sequence change falls in intron 12 of the SAG gene. It does not directly change the encoded amino acid sequence of the SAG protein.